The following is an entry in ClinVar:

ClinVar aggregate classification (germline): Uncertain significance. Review status: criteria provided, multiple submitters, no conflicts (2 of 4 stars). 2 submissions from 2 submitters: Uncertain significance (2). Last evaluated 2025-06-08.

Conditions:
Hereditary cancer-predisposing syndrome. Also called: Neoplastic Syndromes, Hereditary; Tumor predisposition; Hereditary Cancer Syndrome; Hereditary neoplastic syndrome. Identifiers: Orphanet 140162, MedGen C0027672, MeSH D009386, MONDO:0015356.
Gastrointestinal stromal tumor. Also called: Gastrointestinal stromal tumor, somatic; Gastrointestinal stroma tumor. Identifiers: Orphanet 44890, MedGen C0238198, MeSH D046152, MONDO:0011719, OMIM 606764, HP:0100723.

Submissions (2):

Ambry Genetics
Classification: Uncertain significance for Hereditary cancer-predisposing syndrome. Last evaluated: 2025-06-08. Review status: criteria provided, single submitter. Criteria: Ambry Variant Classification Scheme 2023. Collection method: clinical testing. Allele origin: germline.
Comment: The p.A978G variant (also known as c.2933C>G), located in coding exon 21 of the PDGFRA gene, results from a C to G substitution at nucleotide position 2933. The alanine at codon 978 is replaced by glycine, an amino acid with similar properties. This amino acid position is conserved. In addition, this alteration is predicted to be tolerated by in silico analysis. Based on the available evidence, the clinical significance of this variant remains unclear.

Labcorp Genetics (formerly Invitae), Labcorp
Classification: Uncertain significance for Gastrointestinal stromal tumor. Last evaluated: 2018-11-10. Review status: criteria provided, single submitter. Criteria: Invitae Variant Classification Sherloc (09022015). Collection method: clinical testing. Allele origin: germline.
Comment: In summary, the available evidence is currently insufficient to determine the role of this variant in disease. Therefore, it has been classified as a Variant of Uncertain Significance. Algorithms developed to predict the effect of missense changes on protein structure and function (SIFT, PolyPhen-2, Align-GVGD) all suggest that this variant is likely to be tolerated, but these predictions have not been confirmed by published functional studies and their clinical significance is uncertain. This variant has not been reported in the literature in individuals with PDGFRA-related disease. This variant is not present in population databases (ExAC no frequency). This sequence change replaces alanine with glycine at codon 978 of the PDGFRA protein (p.Ala978Gly). The alanine residue is weakly conserved and there is a small physicochemical difference between alanine and glycine.

NM_006206.6(PDGFRA):c.2933C>G (p.Ala978Gly)

Gene: PDGFRA (platelet derived growth factor receptor alpha; plus strand). Cytogenetic location: 4q12.
Variant type: single nucleotide variant.
Coding change: c.2933C>G on transcript NM_006206.6 (MANE Select); coding-DNA position 2933, C replaced by G.
Protein change: p.Ala978Gly; replaces alanine 978 with glycine.
Molecular consequence: missense variant.
Genome position (GRCh38, 1-based): chr4:54,290,365, C>G. VCF-style: chr4-54290365-C-G. GRCh37 (hg19) VCF-style: chr4-55156532-C-G.
Other names: c.3008C>G, p.Ala1003Gly (NM_001347828.2); c.2933C>G, p.Ala978Gly (NM_001347829.2); c.2972C>G, p.Ala991Gly (NM_001347830.2); short protein forms A991G, A978G, A1003G.
Identifiers: ClinVar variation 649725 (VCV000649725.10), dbSNP rs1577748113, ClinGen allele CA356896022.